The following is an entry in ClinVar:

NM_000334.4(SCN4A):c.4405C>T (p.Arg1469Trp)

Genes: SCN4A (sodium voltage-gated channel alpha subunit 4; minus strand), GH-LCR (growth hormone locus control region; plus strand). Cytogenetic location: 17q23.3.
Variant type: single nucleotide variant.
Coding change: c.4405C>T on transcript NM_000334.4 (MANE Select); coding-DNA position 4405, C replaced by T.
Protein change: p.Arg1469Trp; replaces arginine 1469 with tryptophan.
Molecular consequence: missense variant.
Genome position (GRCh38, 1-based): chr17:63,941,877, G>A on the plus strand (C>T on the coding strand, the complement: SCN4A is on the minus strand). VCF-style: chr17-63941877-G-A. GRCh37 (hg19) VCF-style: chr17-62019237-G-A.
Other names: short protein forms R1469W.
Identifiers: ClinVar variation 3647055 (VCV003647055.2).

ClinVar aggregate classification (germline): Uncertain significance (1 of 4 stars; one submission).

Conditions:
Hyperkalemic periodic paralysis. Also called: Familial hyperkalemic periodic paralysis; Gamstorp disease. Identifiers: Orphanet 682, MedGen C0238357, MONDO:0008224, OMIM 170500, HP:0007215.

gnomAD v4.1: 9 of 1,613,866 alleles (0.00056%); highest among the groups gnomAD compares: South Asian, 0.0055%; no homozygotes.

Submission:

Labcorp Genetics (formerly Invitae), Labcorp
Classification: Uncertain significance for Hyperkalemic periodic paralysis. Last evaluated: 2024-07-17. Review status: criteria provided, single submitter. Criteria: Invitae Variant Classification Sherloc (09022015). Collection method: clinical testing. Allele origin: germline.
Comment: This sequence change replaces arginine, which is basic and polar, with tryptophan, which is neutral and slightly polar, at codon 1469 of the SCN4A protein (p.Arg1469Trp). This variant is present in population databases (rs781577616, gnomAD 0.007%). This variant has not been reported in the literature in individuals affected with SCN4A-related conditions. Advanced modeling of protein sequence and biophysical properties (such as structural, functional, and spatial information, amino acid conservation, physicochemical variation, residue mobility, and thermodynamic stability) performed at Invitae indicates that this missense variant is expected to disrupt SCN4A protein function with a positive predictive value of 95%. In summary, the available evidence is currently insufficient to determine the role of this variant in disease. Therefore, it has been classified as a Variant of Uncertain Significance.